The following is an entry in ClinVar:

NM_002769.5(PRSS1):c.77G>A (p.Gly26Glu)

Genes: PRSS1 (serine protease 1; plus strand), TRB (T cell receptor beta locus; plus strand). Cytogenetic location: 7q34.
Variant type: single nucleotide variant.
Coding change: c.77G>A on transcript NM_002769.5 (MANE Select); coding-DNA position 77, G replaced by A.
Protein change: p.Gly26Glu; replaces glycine 26 with glutamic acid.
Molecular consequence: missense variant. On other transcripts: non-coding transcript variant (2).
Genome position (GRCh38, 1-based): chr7:142,750,591, G>A. VCF-style: chr7-142750591-G-A. GRCh37 (hg19) VCF-style: chr7-142458442-G-A.
Other names: short protein forms G26E.
Identifiers: ClinVar variation 1760685 (VCV001760685.3), dbSNP rs753883523, ClinGen allele CA4529671.
Genomic context (GRCh38, chr7:142,750,591, plus strand): 5'-TCTCCCTTCCCATCTCCACTCCAGTTGCTGCCCCCTTTGATGATGATGACAAGATCGTTG[G>A]GGGCTACAACTGTGAGGAGAATTCTGTCCCCTACCAGGTGTCCCTGAATTCTGGCTACCA-3'
Protein context (NP_002760.1, residues 16-36): APFDDDDKIV[Gly26Glu]GYNCEENSVP

ClinVar aggregate classification (germline): Uncertain significance. Review status: criteria provided, multiple submitters, no conflicts (2 of 4 stars). 2 submissions from 2 submitters: Uncertain significance (2). Last evaluated 2025-04-06.

Conditions:
Hereditary pancreatitis (PCTT). Also called: Hereditary chronic pancreatitis; PRSS1-Related Hereditary Pancreatitis. Identifiers: Orphanet 676, MedGen C0238339, MONDO:0008185, OMIM 167800.

Allele frequency attached by ClinVar (database versions not stated): gnomAD exomes below 0.00001; TOPMed below 0.00001; gnomAD 0.00001; ExAC 0.00003.
gnomAD v4.1: 6 of 1,613,898 alleles (0.00037%); highest among the groups gnomAD compares: Admixed American, 0.01%; no homozygotes.

Submissions (2):

Labcorp Genetics (formerly Invitae), Labcorp
Classification: Uncertain significance for Hereditary pancreatitis. Last evaluated: 2025-04-06. Review status: criteria provided, single submitter. Criteria: Invitae Variant Classification Sherloc (09022015). Collection method: clinical testing. Allele origin: germline.
Comment: This sequence change replaces glycine, which is neutral and non-polar, with glutamic acid, which is acidic and polar, at codon 26 of the PRSS1 protein (p.Gly26Glu). The frequency data for this variant in the population databases is considered unreliable, as metrics indicate poor data quality at this position in the gnomAD database. This variant has not been reported in the literature in individuals affected with PRSS1-related conditions. ClinVar contains an entry for this variant (Variation ID: 1760685). Invitae Evidence Modeling of protein sequence and biophysical properties (such as structural, functional, and spatial information, amino acid conservation, physicochemical variation, residue mobility, and thermodynamic stability) has been performed for this missense variant. However, the output from this modeling did not meet the statistical confidence thresholds required to predict the impact of this variant on PRSS1 protein function. In summary, the available evidence is currently insufficient to determine the role of this variant in disease. Therefore, it has been classified as a Variant of Uncertain Significance.

Ambry Genetics
Classification: Uncertain significance for Hereditary pancreatitis. Last evaluated: 2024-02-16. Review status: criteria provided, single submitter. Criteria: Ambry Variant Classification Scheme 2023. Collection method: clinical testing. Allele origin: germline.
Comment: The p.G26E variant (also known as c.77G>A), located in coding exon 2 of the PRSS1 gene, results from a G to A substitution at nucleotide position 77. The glycine at codon 26 is replaced by glutamic acid, an amino acid with similar properties. This amino acid position is conserved. In addition, this alteration is predicted to be deleterious by in silico analysis. Since supporting evidence is limited at this time, the clinical significance of this alteration remains unclear.